The following is an entry in ClinVar:

ClinVar aggregate classification (germline): Uncertain significance (1 of 4 stars; one submission).

Conditions:
Myopathy, proximal, and ophthalmoplegia (CMYO6). Also called: CONGENITAL MYOPATHY 6 WITH OPHTHALMOPLEGIA; MYOPATHY WITH CONGENITAL JOINT CONTRACTURES, OPHTHALMOPLEGIA, AND RIMMED VACUOLES; INCLUSION BODY MYOPATHY 3, AUTOSOMAL DOMINANT. Identifiers: Orphanet 363677, Orphanet 79091, MedGen C1854106, MONDO:0011577, OMIM 605637.

Submission:

Labcorp Genetics (formerly Invitae), Labcorp
Classification: Uncertain significance for Myopathy, proximal, and ophthalmoplegia. Last evaluated: 2023-12-25. Review status: criteria provided, single submitter. Criteria: Invitae Variant Classification Sherloc (09022015). Collection method: clinical testing. Allele origin: germline.
Comment: This sequence change replaces serine, which is neutral and polar, with alanine, which is neutral and non-polar, at codon 748 of the MYH2 protein (p.Ser748Ala). This variant is not present in population databases (gnomAD no frequency). This variant has not been reported in the literature in individuals affected with MYH2-related conditions. An algorithm developed to predict the effect of missense changes on protein structure and function (PolyPhen-2) suggests that this variant is likely to be tolerated. In summary, the available evidence is currently insufficient to determine the role of this variant in disease. Therefore, it has been classified as a Variant of Uncertain Significance.

NM_017534.6(MYH2):c.2242T>G (p.Ser748Ala)

Genes: MYHAS (myosin heavy chain gene cluster antisense RNA; plus strand), MYH2 (myosin heavy chain 2; minus strand). Cytogenetic location: 17p13.1.
Variant type: single nucleotide variant.
Coding change: c.2242T>G on transcript NM_017534.6 (MANE Select); coding-DNA position 2242, T replaced by G.
Protein change: p.Ser748Ala; replaces serine 748 with alanine.
Molecular consequence: missense variant.
Genome position (GRCh38, 1-based): chr17:10,533,571, A>C on the plus strand (T>G on the coding strand, the complement: MYH2 is on the minus strand). VCF-style: chr17-10533571-A-C. GRCh37 (hg19) VCF-style: chr17-10436888-A-C.
Other names: c.2242T>G, p.Ser748Ala (NM_001100112.2); short protein forms S748A.
Identifiers: ClinVar variation 3022268 (VCV003022268.3), dbSNP rs2073449668, ClinGen allele CA398149138.